The following is an entry in ClinVar:

NM_032833.5(PPP1R15B):c.622C>G (p.Leu208Val)

Gene: PPP1R15B (protein phosphatase 1 regulatory subunit 15B; minus strand). Cytogenetic location: 1q32.1.
Variant type: single nucleotide variant.
Coding change: c.622C>G on transcript NM_032833.5 (MANE Select); coding-DNA position 622, C replaced by G.
Protein change: p.Leu208Val; replaces leucine 208 with valine.
Molecular consequence: missense variant.
Genome position (GRCh38, 1-based): chr1:204,410,790, G>C on the plus strand (C>G on the coding strand, the complement: PPP1R15B is on the minus strand). VCF-style: chr1-204410790-G-C. GRCh37 (hg19) VCF-style: chr1-204379918-G-C.
Other names: short protein forms L208V.
Identifiers: ClinVar variation 1974711 (VCV001974711.5), dbSNP rs1009953899, ClinGen allele CA35772838.

ClinVar aggregate classification (germline): Uncertain significance (1 of 4 stars; one submission).

Allele frequency attached by ClinVar (database versions not stated): TOPMed below 0.00001.

Submission:

Labcorp Genetics (formerly Invitae), Labcorp
Classification: Uncertain significance. Last evaluated: 2025-02-24. Review status: criteria provided, single submitter. Criteria: Invitae Variant Classification Sherloc (09022015). Collection method: clinical testing. Allele origin: germline.
Comment: This sequence change replaces leucine, which is neutral and non-polar, with valine, which is neutral and non-polar, at codon 208 of the PPP1R15B protein (p.Leu208Val). This variant is not present in population databases (gnomAD no frequency). This variant has not been reported in the literature in individuals affected with PPP1R15B-related conditions. ClinVar contains an entry for this variant (Variation ID: 1974711). Invitae Evidence Modeling of protein sequence and biophysical properties (such as structural, functional, and spatial information, amino acid conservation, physicochemical variation, residue mobility, and thermodynamic stability) indicates that this missense variant is not expected to disrupt PPP1R15B protein function with a negative predictive value of 80%. In summary, the available evidence is currently insufficient to determine the role of this variant in disease. Therefore, it has been classified as a Variant of Uncertain Significance.